The following is an entry in ClinVar:

NM_000135.4(FANCA):c.3348+4G>A

Gene: FANCA (FA complementation group A; minus strand). Cytogenetic location: 16q24.3.
Variant type: single nucleotide variant.
Coding change: c.3348+4G>A on transcript NM_000135.4 (MANE Select); 4 bases into the intron after coding-DNA position 3348, G replaced by A.
Molecular consequence: intron variant.
Genome position (GRCh38, 1-based): chr16:89,748,655, C>T on the plus strand (G>A on the coding strand, the complement: FANCA is on the minus strand). VCF-style: chr16-89748655-C-T. GRCh37 (hg19) VCF-style: chr16-89815063-C-T.
Other names: c.3348+4G>A (NM_001286167.3).
Identifiers: ClinVar variation 1398446 (VCV001398446.4), dbSNP rs1217286568, ClinGen allele CA624280486.
Genomic context (GRCh38, chr16:89,748,655, plus strand): 5'-AGAGCTGCTGTTAGCGCCACAGGCACTGACAGATCGGACGGACACGTGCACACGGGGCAC[C>T]TACCATCTCAGAGTTGACCAAGTGGAAGAACTGCTCGCATCTGGCAGTGATGGGCTGTTC-3'

ClinVar aggregate classification (germline): Uncertain significance (1 of 4 stars; one submission).

Conditions:
Fanconi anemia (FA). Also called: Fanconi's anemia. Identifiers: Orphanet 84, MedGen C0015625, MeSH D005199, MONDO:0019391.

Allele frequency attached by ClinVar (database versions not stated): gnomAD exomes below 0.00001.
gnomAD v4.1: 1 of 1,611,898 alleles (0.000062%); highest among the groups gnomAD compares: African/African-American, 0.0013%; no homozygotes.

Submission:

Labcorp Genetics (formerly Invitae), Labcorp
Classification: Uncertain significance for Fanconi anemia. Last evaluated: 2022-05-20. Review status: criteria provided, single submitter. Criteria: Invitae Variant Classification Sherloc (09022015). Collection method: clinical testing. Allele origin: germline.
Comment: This sequence change falls in intron 33 of the FANCA gene. It does not directly change the encoded amino acid sequence of the FANCA protein. It affects a nucleotide within the consensus splice site. This variant is not present in population databases (gnomAD no frequency). This variant has not been reported in the literature in individuals affected with FANCA-related conditions. Variants that disrupt the consensus splice site are a relatively common cause of aberrant splicing (PMID: 17576681, 9536098). Algorithms developed to predict the effect of sequence changes on RNA splicing suggest that this variant is not likely to affect RNA splicing. In summary, the available evidence is currently insufficient to determine the role of this variant in disease. Therefore, it has been classified as a Variant of Uncertain Significance.

Literature cited by the submitters: PubMed 17576681; PubMed 9536098.